The following is an entry in ClinVar:

ClinVar aggregate classification (germline): Uncertain significance (1 of 4 stars; one submission).

Allele frequency attached by ClinVar (database versions not stated): gnomAD exomes below 0.00001 and 0.00001; ExAC 0.00001; gnomAD 0.00001; TOPMed 0.00002.
gnomAD v4.1: 2 of 1,614,068 alleles (0.00012%); highest among the groups gnomAD compares: East Asian, 0.0022%; no homozygotes.

Submission:

Labcorp Genetics (formerly Invitae), Labcorp
Classification: Uncertain significance. Last evaluated: 2024-01-09. Review status: criteria provided, single submitter. Criteria: Invitae Variant Classification Sherloc (09022015). Collection method: clinical testing. Allele origin: germline.
Comment: This sequence change replaces isoleucine, which is neutral and non-polar, with methionine, which is neutral and non-polar, at codon 441 of the FBLN5 protein (p.Ile441Met). This variant is present in population databases (rs753495990, gnomAD 0.006%). This variant has not been reported in the literature in individuals affected with FBLN5-related conditions. ClinVar contains an entry for this variant (Variation ID: 1519869). Advanced modeling of protein sequence and biophysical properties (such as structural, functional, and spatial information, amino acid conservation, physicochemical variation, residue mobility, and thermodynamic stability) has been performed at Invitae for this missense variant, however the output from this modeling did not meet the statistical confidence thresholds required to predict the impact of this variant on FBLN5 protein function. Algorithms developed to predict the effect of sequence changes on RNA splicing suggest that this variant may create or strengthen a splice site. In summary, the available evidence is currently insufficient to determine the role of this variant in disease. Therefore, it has been classified as a Variant of Uncertain Significance.

NM_006329.4(FBLN5):c.1323A>G (p.Ile441Met)

Gene: FBLN5 (fibulin 5; minus strand). Cytogenetic location: 14q32.12.
Variant type: single nucleotide variant.
Coding change: c.1323A>G on transcript NM_006329.4 (MANE Select); coding-DNA position 1323, A replaced by G.
Protein change: p.Ile441Met; replaces isoleucine 441 with methionine.
Molecular consequence: missense variant. On other transcripts: 3 prime UTR variant (2).
Genome position (GRCh38, 1-based): chr14:91,870,248, T>C on the plus strand (A>G on the coding strand, the complement: FBLN5 is on the minus strand). VCF-style: chr14-91870248-T-C. GRCh37 (hg19) VCF-style: chr14-92336592-T-C.
Other names: c.1446A>G, p.Ile482Met (NM_001384158.1); c.1374A>G, p.Ile458Met (NM_001384159.1); c.*107A>G (NM_001384160.1, NM_001384161.1); c.1155A>G, p.Ile385Met (NM_001384162.1); short protein forms I441M, I482M, I385M, I458M.
Identifiers: ClinVar variation 1519869 (VCV001519869.8), dbSNP rs753495990, ClinGen allele CA7312563.